The following is an entry in ClinVar:

ClinVar aggregate classification (germline): Uncertain significance (1 of 4 stars; one submission).

Allele frequency attached by ClinVar (database versions not stated): ExAC 0.00003; gnomAD 0.00005; TOPMed 0.00005; ESP Exome Variant Server 0.00008.
gnomAD v4.1: 39 of 1,614,006 alleles (0.0024%); highest among the groups gnomAD compares: Middle Eastern, 0.066%; no homozygotes.

Submission:

Labcorp Genetics (formerly Invitae), Labcorp
Classification: Uncertain significance. Last evaluated: 2025-12-08. Review status: criteria provided, single submitter. Criteria: Invitae Variant Classification Sherloc (09022015). Collection method: clinical testing. Allele origin: germline.
Comment: This sequence change replaces arginine, which is basic and polar, with glutamine, which is neutral and polar, at codon 64 of the SLC10A2 protein (p.Arg64Gln). This variant is present in population databases (rs376756182, gnomAD 0.01%). This variant has not been reported in the literature in individuals affected with SLC10A2-related conditions. ClinVar contains an entry for this variant (Variation ID: 2881816). Invitae Evidence Modeling of protein sequence and biophysical properties (such as structural, functional, and spatial information, amino acid conservation, physicochemical variation, residue mobility, and thermodynamic stability) indicates that this missense variant is not expected to disrupt SLC10A2 protein function with a negative predictive value of 80%. In summary, the available evidence is currently insufficient to determine the role of this variant in disease. Therefore, it has been classified as a Variant of Uncertain Significance.

NM_000452.3(SLC10A2):c.191G>A (p.Arg64Gln)

Gene: SLC10A2 (solute carrier family 10 member 2; minus strand). Cytogenetic location: 13q33.1.
Variant type: single nucleotide variant.
Coding change: c.191G>A on transcript NM_000452.3 (MANE Select); coding-DNA position 191, G replaced by A.
Protein change: p.Arg64Gln; replaces arginine 64 with glutamine.
Molecular consequence: missense variant.
Genome position (GRCh38, 1-based): chr13:103,066,059, C>T on the plus strand (G>A on the coding strand, the complement: SLC10A2 is on the minus strand). VCF-style: chr13-103066059-C-T. GRCh37 (hg19) VCF-style: chr13-103718409-C-T.
Other names: short protein forms R64Q.
Identifiers: ClinVar variation 2881816 (VCV002881816.3), dbSNP rs376756182, ClinGen allele CA7042316.
Genomic context (GRCh38, chr13:103,066,059, plus strand): 5'-AATCCTGTGAGGGGCATGATTCCAAACTGACAGAGGAAGCCAACACAAATGCCCCACGGC[C>T]GCTTTATGTGCCCTAGAAATTTCTTGATTTCCACGTTGCATCCCATGGAGAACATCACCA-3'
Protein context (NP_000443.2, residues 54-74): EIKKFLGHIK[Arg64Gln]PWGICVGFLC